The following is an entry in ClinVar:

NM_000088.4(COL1A1):c.304C>A (p.Pro102Thr)

Gene: COL1A1 (collagen type I alpha 1 chain; minus strand). Cytogenetic location: 17q21.33.
Variant type: single nucleotide variant.
Coding change: c.304C>A on transcript NM_000088.4 (MANE Select); coding-DNA position 304, C replaced by A.
Protein change: p.Pro102Thr; replaces proline 102 with threonine.
Molecular consequence: missense variant.
Genome position (GRCh38, 1-based): chr17:50,199,585, G>T on the plus strand (C>A on the coding strand, the complement: COL1A1 is on the minus strand). VCF-style: chr17-50199585-G-T. GRCh37 (hg19) VCF-style: chr17-48276946-G-T.
Other names: short protein forms P102T.
Identifiers: ClinVar variation 4739876 (VCV004739876.1).
Genomic context (GRCh38, chr17:50,199,585, plus strand): 5'-GCAGGGGCAAAATTCGAGGGCAGGAGATTACCTCGACGCCGGTGGTTTCTTGGTCGGTGG[G>T]TGACTCTAGGGGACGAAGAGACGCGCGTTAGAGCCAAGGTTTGCTAATGCTGCTCCCGTC-3'
Protein context (NP_000079.2, residues 92-112): CPVCPDGSES[Pro102Thr]TDQETTGVEG

ClinVar aggregate classification (germline): Uncertain significance (1 of 4 stars; one submission).

Conditions:
Osteogenesis imperfecta type I (OI1). Also called: Osteogenesis imperfecta type 1; Lobstein's Disease; OI, TYPE I; OSTEOGENESIS IMPERFECTA TARDA; OSTEOGENESIS IMPERFECTA WITH BLUE SCLERAE; Lobstein disease. Identifiers: Orphanet 216796, Orphanet 666, MedGen C0023931, MONDO:0008146, OMIM 166200. Disease mechanism: loss of function.

Submission:

Labcorp Genetics (formerly Invitae), Labcorp
Classification: Uncertain significance for Osteogenesis imperfecta type I. Last evaluated: 2025-05-19. Review status: criteria provided, single submitter. Criteria: Invitae Variant Classification Sherloc (09022015). Collection method: clinical testing. Allele origin: germline.
Comment: This sequence change replaces proline, which is neutral and non-polar, with threonine, which is neutral and polar, at codon 102 of the COL1A1 protein (p.Pro102Thr). This variant is not present in population databases (gnomAD no frequency). This variant has not been reported in the literature in individuals affected with COL1A1-related conditions. Invitae Evidence Modeling of protein sequence and biophysical properties (such as structural, functional, and spatial information, amino acid conservation, physicochemical variation, residue mobility, and thermodynamic stability) indicates that this missense variant is not expected to disrupt COL1A1 protein function with a negative predictive value of 95%. In summary, the available evidence is currently insufficient to determine the role of this variant in disease. Therefore, it has been classified as a Variant of Uncertain Significance.